The following is an entry in ClinVar:

NM_000396.4(CTSK):c.417T>A (p.Cys139Ter)

Gene: CTSK (cathepsin K; minus strand). Cytogenetic location: 1q21.3.
Variant type: single nucleotide variant.
Coding change: c.417T>A on transcript NM_000396.4 (MANE Select); coding-DNA position 417, T replaced by A.
Protein change: p.Cys139Ter; replaces cysteine 139 with a stop codon.
Molecular consequence: nonsense.
Genome position (GRCh38, 1-based): chr1:150,804,222, A>T on the plus strand (T>A on the coding strand, the complement: CTSK is on the minus strand). VCF-style: chr1-150804222-A-T. GRCh37 (hg19) VCF-style: chr1-150776698-A-T.
Other names: short protein forms C139*.
Identifiers: ClinVar variation 1726007 (VCV001726007.2), dbSNP rs2525174048, ClinGen allele CA342336768.

ClinVar aggregate classification (germline): Likely pathogenic (1 of 4 stars; one submission).

Conditions:
Pyknodysostosis. Also called: Pycnodysostosis. Identifiers: Orphanet 763, MedGen C0238402, MONDO:0009940, OMIM 265800.

Submission:

Myriad Genetics, Inc.
Classification: Likely pathogenic for Pyknodysostosis. Last evaluated: 2022-05-04. Review status: criteria provided, single submitter. Criteria: Myriad Women's Health Autosomal Recessive and X-Linked Classification Criteria (2021). Collection method: clinical testing. Allele origin: unknown.
Comment: NM_000396.3(CTSK):c.417T>A(C139*) is expected to be pathogenic in the context of pycnodysostosis. This variant is predicted to lead to an abnormal or absent protein product due to the creation of a premature termination codon in CTSK, a gene where loss-of-function variants are known to be pathogenic. Please note: this variant was assessed in the context of healthy population screening.